The following is an entry in ClinVar:

ClinVar aggregate classification (germline): Likely benign (0 of 4 stars; one submission).

Conditions:
ABCA7-related disorder. Also called: ABCA7-related condition.

Allele frequency attached by ClinVar (database versions not stated): gnomAD exomes 0.00036; gnomAD 0.00070; TOPMed 0.00070; ExAC 0.00258; 1000 Genomes Project 30x 0.00359; 1000 Genomes Project 0.00399.

Submission:

PreventionGenetics, part of Exact Sciences
Classification: Likely benign for ABCA7-related condition. Last evaluated: 2019-09-30. Review status: no assertion criteria provided. Collection method: clinical testing. Allele origin: germline.
Comment: This variant is classified as likely benign based on ACMG/AMP sequence variant interpretation guidelines (Richards et al. 2015 PMID: 25741868, with internal and published modifications).

NM_019112.4(ABCA7):c.6212T>G (p.Phe2071Cys)

Genes: ABCA7 (ATP binding cassette subfamily A member 7; plus strand), LOC130062871 (ATAC-STARR-seq lymphoblastoid silent region 9656; plus strand). Cytogenetic location: 19p13.3.
Variant type: single nucleotide variant.
Coding change: c.6212T>G on transcript NM_019112.4 (MANE Select); coding-DNA position 6212, T replaced by G.
Protein change: p.Phe2071Cys; replaces phenylalanine 2071 with cysteine.
Molecular consequence: missense variant.
Genome position (GRCh38, 1-based): chr19:1,065,098, T>G. VCF-style: chr19-1065098-T-G. GRCh37 (hg19) VCF-style: chr19-1065097-T-G.
Other names: short protein forms F2071C.
Identifiers: ClinVar variation 3039872 (VCV003039872.2), dbSNP rs190013803, ClinGen allele CA9035136.
Genomic context (GRCh38, chr19:1,065,098, plus strand): 5'-ATGGAGGCCGCCTGCGCTTCCAGCTGCCGCCGGGAGGGCGCTGCGCCCTGGCGCGCGTCT[T>G]TGGAGAGCTGGCGGTGCACGGCGCAGAGCACGGCGTGGAGGACTTTTCCGTGAGCCAGAC-3'
Protein context (NP_061985.2, residues 2061-2081): PGGRCALARV[Phe2071Cys]GELAVHGAEH